The following is an entry in ClinVar:

ClinVar aggregate classification (germline): Benign/Likely benign. Review status: criteria provided, multiple submitters, no conflicts (2 of 4 stars). 3 submissions from 3 submitters: Benign (1); Likely benign (2). Last evaluated 2025-09-26.

Conditions:
Occult macular dystrophy (OCMD). Also called: OMD; OCCULT MACULAR DYSTROPHY, SUSCEPTIBILITY TO. Identifiers: Orphanet 247834, MedGen C3150833, MONDO:0013316, OMIM 613587, HP:0030636.

Allele frequency attached by ClinVar (database versions not stated): gnomAD 0.00023 and 0.00024; ExAC 0.00030; TOPMed 0.00031; gnomAD exomes 0.00036 and 0.00028.
gnomAD v4.1: 436 of 1,612,864 alleles (0.027%); highest among the groups gnomAD compares: Admixed American, 0.067%; 1 homozygote.

Submissions (3):

Labcorp Genetics (formerly Invitae), Labcorp
Classification: Likely benign. Last evaluated: 2025-09-26. Review status: criteria provided, single submitter. Criteria: Invitae Variant Classification Sherloc (09022015). Collection method: clinical testing. Allele origin: germline.

Blueprint Genetics
Classification: Likely benign. Last evaluated: 2024-02-27. Review status: criteria provided, single submitter. Criteria: ACMG Guidelines, 2015. Collection method: clinical testing. Allele origin: germline.

Illumina Laboratory Services, Illumina
Classification: Benign for Occult macular dystrophy. Last evaluated: 2018-01-12. Review status: criteria provided, single submitter. Criteria: ICSL Variant Classification Criteria 13 December 2019. Collection method: clinical testing. Allele origin: germline.
Comment: This variant was observed in the ICSL laboratory as part of a predisposition screen in an ostensibly healthy population. It had not been previously curated by ICSL or reported in the Human Gene Mutation Database (HGMD: prior to June 1st, 2018), and was therefore a candidate for classification through an automated scoring system. Utilizing variant allele frequency, disease prevalence and penetrance estimates, and inheritance mode, an automated score was calculated to assess if this variant is too frequent to cause the disease. Based on the score and internal cut-off values, a variant classified as benign is not then subjected to further curation. The score for this variant resulted in a classification of benign for this disease.

NM_178857.6(RP1L1):c.352C>T (p.Arg118Trp)

Gene: RP1L1 (RP1 like 1). Cytogenetic location: 8p23.1.
Variant type: single nucleotide variant.
Coding change: c.352C>T on transcript NM_178857.6 (MANE Select); coding-DNA position 352, C replaced by T.
Protein change: p.Arg118Trp; replaces arginine 118 with tryptophan.
Molecular consequence: missense variant.
Genome position (GRCh38, 1-based): chr8:10,622,850, G>A on the plus strand (C>T on the coding strand, the complement: RP1L1 is on the minus strand). VCF-style: chr8-10622850-G-A. GRCh37 (hg19) VCF-style: chr8-10480360-G-A.
Other names: short protein forms R118W.
Identifiers: ClinVar variation 361414 (VCV000361414.14), dbSNP rs200121539, ClinGen allele CA4625744.